The following is an entry in ClinVar:

ClinVar aggregate classification (germline): Conflicting classifications of pathogenicity. Review status: criteria provided, conflicting classifications (1 of 4 stars). 6 submissions from 2 submitters: Uncertain significance (1); Benign (5). Last evaluated 2025-08-19.

Conditions:
FGFR2-related craniosynostosis. Identifiers: MedGen CN231480.
Saethre-Chotzen syndrome (SCS). Also called: ACROCEPHALY, SKULL ASYMMETRY, AND MILD SYNDACTYLY; ACS III; CHOTZEN SYNDROME. Identifiers: Orphanet 794, MedGen C0175699, MONDO:0007042, OMIM 101400.
Isolated Coronal Synostosis. Identifiers: MedGen CN043619.
Beare-Stevenson cutis gyrata syndrome (BSTVS). Identifiers: Orphanet 1555, MedGen C1852406, MONDO:0007412, OMIM 123790.
Crouzon syndrome. Also called: Craniofacial dysostosis type 1; Crouzon craniofacial dysostosis; Crouzon disease; Craniofacial dysostosis; CRANIOFACIAL DYSOSTOSIS, TYPE I. Identifiers: Orphanet 207, MedGen C0010273, MeSH D003394, MONDO:0007405, OMIM 123500, HP:0004439.
Craniosynostosis syndrome. Also called: Craniosynostosis. Identifiers: Orphanet 1531, MedGen C0010278, MeSH D003398, MONDO:0015469, HP:0001363.

Allele frequency attached by ClinVar (database versions not stated): gnomAD 0.00008 and 0.00009; TOPMed 0.00014.
gnomAD v4.1: 70 of 1,614,028 alleles (0.0043%); highest among the groups gnomAD compares: East Asian, 0.12%; no homozygotes.

Submissions (6):

Labcorp Genetics (formerly Invitae), Labcorp
Classification: Benign for FGFR2-related craniosynostosis. Last evaluated: 2025-08-19. Review status: criteria provided, single submitter. Criteria: Invitae Variant Classification Sherloc (09022015). Collection method: clinical testing. Allele origin: germline.

Illumina Laboratory Services, Illumina
Classification: Benign for Craniosynostosis. Last evaluated: 2018-01-13. Review status: criteria provided, single submitter. Criteria: ICSL Variant Classification Criteria 13 December 2019. Collection method: clinical testing. Allele origin: germline.
Comment: This variant was observed in the ICSL laboratory as part of a predisposition screen in an ostensibly healthy population. It had not been previously curated by ICSL or reported in the Human Gene Mutation Database (HGMD: prior to June 1st, 2018), and was therefore a candidate for classification through an automated scoring system. Utilizing variant allele frequency, disease prevalence and penetrance estimates, and inheritance mode, an automated score was calculated to assess if this variant is too frequent to cause the disease. Based on the score and internal cut-off values, a variant classified as benign is not then subjected to further curation. The score for this variant resulted in a classification of benign for this disease.

Illumina Laboratory Services, Illumina
Classification: Benign for Crouzon syndrome. Last evaluated: 2018-01-13. Review status: criteria provided, single submitter. Criteria: ICSL Variant Classification Criteria 13 December 2019. Collection method: clinical testing. Allele origin: germline.
Comment: the same text as in the submission from Illumina Laboratory Services, Illumina above.

Illumina Laboratory Services, Illumina
Classification: Benign for Saethre-Chotzen syndrome. Last evaluated: 2018-01-13. Review status: criteria provided, single submitter. Criteria: ICSL Variant Classification Criteria 13 December 2019. Collection method: clinical testing. Allele origin: germline.
Comment: the same text as in the submission from Illumina Laboratory Services, Illumina above.

Illumina Laboratory Services, Illumina
Classification: Uncertain significance for Isolated coronal synostosis. Last evaluated: 2018-01-13. Review status: criteria provided, single submitter. Criteria: ICSL Variant Classification Criteria 13 December 2019. Collection method: clinical testing. Allele origin: germline.

Illumina Laboratory Services, Illumina
Classification: Benign for Beare-Stevenson cutis gyrata syndrome. Last evaluated: 2018-01-13. Review status: criteria provided, single submitter. Criteria: ICSL Variant Classification Criteria 13 December 2019. Collection method: clinical testing. Allele origin: germline.
Comment: the same text as in the submission from Illumina Laboratory Services, Illumina above.

NM_000141.5(FGFR2):c.33C>T (p.Val11=)

Gene: FGFR2 (fibroblast growth factor receptor 2; minus strand). Cytogenetic location: 10q26.13.
Variant type: single nucleotide variant.
Coding change: c.33C>T on transcript NM_000141.5 (MANE Select); coding-DNA position 33, C replaced by T.
Protein change: p.Val11=; no amino-acid change (valine 11 retained).
Molecular consequence: synonymous variant. On other transcripts: non-coding transcript variant (1).
Genome position (GRCh38, 1-based): chr10:121,593,785, G>A on the plus strand (C>T on the coding strand, the complement: FGFR2 is on the minus strand). VCF-style: chr10-121593785-G-A. GRCh37 (hg19) VCF-style: chr10-123353299-G-A.
Other names: c.33C>T, p.Val11= (NM_001144913.1, NM_001144914.1, NM_001144915.2 and 7 more transcripts).
Identifiers: ClinVar variation 879767 (VCV000879767.9), dbSNP rs200562301, ClinGen allele CA5721250.